The following is an entry in ClinVar:

ClinVar aggregate classification (germline): Uncertain significance (1 of 4 stars; one submission).

Conditions:
Cardiomyopathy (CMYO). Also called: Cardiomyopathies. Identifiers: Orphanet 167848, MedGen C0878544, MONDO:0004994, HP:0001638. Inheritance: Various modes of inheritance.

Submission:

Color Diagnostics, LLC DBA Color Health
Classification: Uncertain significance for Cardiomyopathy. Last evaluated: 2024-03-06. Review status: criteria provided, single submitter. Criteria: ACMG Guidelines, 2015. Collection method: clinical testing. Allele origin: germline.
Comment: This missense variant replaces glutamic acid with lysine at codon 1971 of the RYR2 protein. Computational prediction tool is inconclusive regarding the impact of this variant on protein structure and function (internally defined REVEL score threshold 0.5 < inconclusive < 0.7, PMID: 27666373). Splice site prediction tools suggest that this variant may not impact RNA splicing. To our knowledge, functional studies have not been performed for this variant. This variant has not been reported in individuals affected with cardiovascular disorders in the literature. This variant has not been identified in the general population by the Genome Aggregation Database (gnomAD). The available evidence is insufficient to determine the role of this variant in disease conclusively. Therefore, this variant is classified as a Variant of Uncertain Significance.

NM_001035.3(RYR2):c.5911G>A (p.Glu1971Lys)

Gene: RYR2 (ryanodine receptor 2; plus strand). Cytogenetic location: 1q43.
Variant type: single nucleotide variant.
Coding change: c.5911G>A on transcript NM_001035.3 (MANE Select); coding-DNA position 5911, G replaced by A.
Protein change: p.Glu1971Lys; replaces glutamic acid 1971 with lysine.
Molecular consequence: missense variant.
Genome position (GRCh38, 1-based): chr1:237,617,481, G>A. VCF-style: chr1-237617481-G-A. GRCh37 (hg19) VCF-style: chr1-237780781-G-A.
Other names: short protein forms E1971K.
Identifiers: ClinVar variation 918579 (VCV000918579.4), dbSNP rs1678602218, ClinGen allele CA345407438.